The following is an entry in ClinVar:

ClinVar aggregate classification (germline): Uncertain significance. Review status: criteria provided, multiple submitters, no conflicts (2 of 4 stars). 2 submissions from 2 submitters: Uncertain significance (2). Last evaluated 2022-10-03.

Conditions:
Renal carnitine transport defect (CDSP). Also called: Carnitine transporter deficiency; Primary carnitine deficiency; Systemic primary carnitine deficiency; CARNITINE DEFICIENCY, SYSTEMIC, DUE TO DEFECT IN RENAL REABSORPTION OF CARNITINE; CARNITINE TRANSPORTER, PLASMA-MEMBRANE, DEFICIENCY OF; CARNITINE UPTAKE DEFECT. Identifiers: Orphanet 158, MedGen C0342788, MONDO:0008919, OMIM 212140.

Allele frequency attached by ClinVar (database versions not stated): gnomAD exomes below 0.00001; TOPMed below 0.00001.
gnomAD v4.1: 2 of 1,614,016 alleles (0.00012%); highest among the groups gnomAD compares: Non-Finnish European, 0.00017%; no homozygotes.

Submissions (2):

Giacomini Lab, University of California, San Francisco
Classification: Uncertain significance for Renal carnitine transport defect. Last evaluated: 2022-10-03. Review status: criteria provided, single submitter. Criteria: ACMG Guidelines, 2015. Collection method: research, in vitro. Allele origin: germline, not applicable.

Labcorp Genetics (formerly Invitae), Labcorp
Classification: Uncertain significance for Renal carnitine transport defect. Last evaluated: 2021-08-31. Review status: criteria provided, single submitter. Criteria: Invitae Variant Classification Sherloc (09022015). Collection method: clinical testing. Allele origin: germline.
Comment: This sequence change replaces tyrosine with cysteine at codon 492 of the SLC22A5 protein (p.Tyr492Cys). The tyrosine residue is highly conserved and there is a large physicochemical difference between tyrosine and cysteine. This variant is not present in population databases (ExAC no frequency). This variant has not been reported in the literature in individuals affected with SLC22A5-related conditions. Advanced modeling of protein sequence and biophysical properties (such as structural, functional, and spatial information, amino acid conservation, physicochemical variation, residue mobility, and thermodynamic stability) performed at Invitae indicates that this missense variant is expected to disrupt SLC22A5 protein function. In summary, the available evidence is currently insufficient to determine the role of this variant in disease. Therefore, it has been classified as a Variant of Uncertain Significance.

NM_003060.4(SLC22A5):c.1475A>G (p.Tyr492Cys)

Gene: SLC22A5 (solute carrier family 22 member 5; plus strand). Cytogenetic location: 5q31.1.
Variant type: single nucleotide variant.
Coding change: c.1475A>G on transcript NM_003060.4 (MANE Select); coding-DNA position 1475, A replaced by G.
Protein change: p.Tyr492Cys; replaces tyrosine 492 with cysteine.
Molecular consequence: missense variant.
Genome position (GRCh38, 1-based): chr5:132,393,700, A>G. VCF-style: chr5-132393700-A-G. GRCh37 (hg19) VCF-style: chr5-131729392-A-G.
Other names: p.Tyr492Cys; c.1547A>G, p.Tyr516Cys (NM_001308122.2); short protein forms Y492C, Y516C.
Identifiers: ClinVar variation 1488980 (VCV001488980.7), dbSNP rs1413377442, ClinGen allele CA360809678.